The following is an entry in ClinVar:

NM_006445.4(PRPF8):c.6224T>C (p.Val2075Ala)

Gene: PRPF8 (pre-mRNA processing factor 8; minus strand). Cytogenetic location: 17p13.3.
Variant type: single nucleotide variant.
Coding change: c.6224T>C on transcript NM_006445.4 (MANE Select); coding-DNA position 6224, T replaced by C.
Protein change: p.Val2075Ala; replaces valine 2075 with alanine.
Molecular consequence: missense variant.
Genome position (GRCh38, 1-based): chr17:1,653,780, A>G on the plus strand (T>C on the coding strand, the complement: PRPF8 is on the minus strand). VCF-style: chr17-1653780-A-G. GRCh37 (hg19) VCF-style: chr17-1557074-A-G.
Other names: short protein forms V2075A.
Identifiers: ClinVar variation 3371124 (VCV003371124.1).

ClinVar aggregate classification (germline): Uncertain significance (1 of 4 stars; one submission).

Submission:

GeneDx
Classification: Uncertain significance. Last evaluated: 2024-03-25. Review status: criteria provided, single submitter. Criteria: GeneDx Variant Classification Process June 2021. Collection method: clinical testing. Allele origin: germline. Affected: yes.
Comment: Not observed at significant frequency in large population cohorts (gnomAD); In silico analysis supports that this missense variant does not alter protein structure/function; Has not been previously published as pathogenic or benign to our knowledge